The following is an entry in ClinVar:

NM_182914.3(SYNE2):c.10427A>G (p.Glu3476Gly)

Gene: SYNE2 (spectrin repeat containing nuclear envelope protein 2; plus strand). Cytogenetic location: 14q23.2.
Variant type: single nucleotide variant.
Coding change: c.10427A>G on transcript NM_182914.3 (MANE Select); coding-DNA position 10427, A replaced by G.
Protein change: p.Glu3476Gly; replaces glutamic acid 3476 with glycine.
Molecular consequence: missense variant.
Genome position (GRCh38, 1-based): chr14:64,065,646, A>G. VCF-style: chr14-64065646-A-G. GRCh37 (hg19) VCF-style: chr14-64532364-A-G.
Other names: c.10427A>G, p.Glu3476Gly (NM_015180.6); short protein forms E3476G.
Identifiers: ClinVar variation 1402583 (VCV001402583.6), dbSNP rs866558509, ClinGen allele CA261848158.

ClinVar aggregate classification (germline): Uncertain significance (1 of 4 stars; one submission).

Conditions:
Emery-Dreifuss muscular dystrophy 5, autosomal dominant (EDMD5). Also called: EMERY-DREIFUSS MUSCULAR DYSTROPHY 5. Identifiers: Orphanet 261, MedGen C2751805, MONDO:0013072, OMIM 612999.

Allele frequency attached by ClinVar (database versions not stated): gnomAD exomes below 0.00001.
gnomAD v4.1: 3 of 1,614,152 alleles (0.00019%); highest among the groups gnomAD compares: African/African-American, 0.004%; no homozygotes.

Submission:

Labcorp Genetics (formerly Invitae), Labcorp
Classification: Uncertain significance for Emery-Dreifuss muscular dystrophy 5, autosomal dominant. Last evaluated: 2021-11-04. Review status: criteria provided, single submitter. Criteria: Invitae Variant Classification Sherloc (09022015). Collection method: clinical testing. Allele origin: germline.
Comment: This sequence change replaces glutamic acid, which is acidic and polar, with glycine, which is neutral and non-polar, at codon 3476 of the SYNE2 protein (p.Glu3476Gly). This variant is not present in population databases (gnomAD no frequency). In summary, the available evidence is currently insufficient to determine the role of this variant in disease. Therefore, it has been classified as a Variant of Uncertain Significance. Algorithms developed to predict the effect of missense changes on protein structure and function are either unavailable or do not agree on the potential impact of this missense change (SIFT: "Deleterious"; PolyPhen-2: "Probably Damaging"; Align-GVGD: "Class C0"). This variant has not been reported in the literature in individuals affected with SYNE2-related conditions.